The following is an entry in ClinVar:

NM_000988.5(RPL27):c.95G>T (p.Gly32Val)

Gene: RPL27 (ribosomal protein L27; plus strand). Cytogenetic location: 17q21.31.
Variant type: single nucleotide variant.
Coding change: c.95G>T on transcript NM_000988.5 (MANE Select); coding-DNA position 95, G replaced by T.
Protein change: p.Gly32Val; replaces glycine 32 with valine.
Molecular consequence: missense variant.
Genome position (GRCh38, 1-based): chr17:42,999,946, G>T. VCF-style: chr17-42999946-G-T. GRCh37 (hg19) VCF-style: chr17-41151963-G-T.
Other names: c.95G>T, p.Gly32Val (NM_001349921.2, NM_001349922.2); short protein forms G32V.
Identifiers: ClinVar variation 2086973 (VCV002086973.4), dbSNP rs773204386, ClinGen allele CA8588929.
Genomic context (GRCh38, chr17:42,999,946, plus strand): 5'-CTAAATAGGCCCTCAGTGAATAACAAATGTAATTCTTACTCATTTAGAACATTGATGATG[G>T]CACCTCAGATCGCCCCTACAGCCATGCTCTGGTGGCTGGAATTGACCGCTACCCCCGCAA-3'
Protein context (NP_000979.1, residues 22-42): KAVIVKNIDD[Gly32Val]TSDRPYSHAL

ClinVar aggregate classification (germline): Uncertain significance (1 of 4 stars; one submission).

Allele frequency attached by ClinVar (database versions not stated): TOPMed below 0.00001; ExAC 0.00001; gnomAD exomes below 0.00001.
gnomAD v4.1: 1 of 1,611,722 alleles (0.000062%); highest among the groups gnomAD compares: Non-Finnish European, 0.000085%; no homozygotes.

Submission:

Labcorp Genetics (formerly Invitae), Labcorp
Classification: Uncertain significance. Last evaluated: 2025-07-30. Review status: criteria provided, single submitter. Criteria: Invitae Variant Classification Sherloc (09022015). Collection method: clinical testing. Allele origin: germline.
Comment: This sequence change replaces glycine, which is neutral and non-polar, with valine, which is neutral and non-polar, at codon 32 of the RPL27 protein (p.Gly32Val). This variant is present in population databases (rs773204386, gnomAD 0.0009%). This variant has not been reported in the literature in individuals affected with RPL27-related conditions. ClinVar contains an entry for this variant (Variation ID: 2086973). An algorithm developed to predict the effect of missense changes on protein structure and function (PolyPhen-2) suggests that this variant is likely to be disruptive. Algorithms developed to predict the effect of sequence changes on RNA splicing suggest that this variant may create or strengthen a splice site. In summary, the available evidence is currently insufficient to determine the role of this variant in disease. Therefore, it has been classified as a Variant of Uncertain Significance.